The following is an entry in ClinVar:

ClinVar aggregate classification (germline): Uncertain significance. Review status: criteria provided, multiple submitters, no conflicts (2 of 4 stars). 3 submissions from 3 submitters: Uncertain significance (3). Last evaluated 2025-03-19.

Conditions:
Juvenile myelomonocytic leukemia (JMML). Also called: LEUKEMIA, JUVENILE MYELOMONOCYTIC, SOMATIC. Identifiers: Orphanet 86834, MedGen C0349639, MONDO:0011908, OMIM 607785, HP:0012209.
Neurofibromatosis, type 1 (NF1). Also called: Peripheral type neurofibromatosis; VON RECKLINGHAUSEN DISEASE; NEUROFIBROMATOSIS, TYPE I, SOMATIC; Neurofibromatosis, type I. Identifiers: Orphanet 636, MedGen C0027831, MONDO:0018975, OMIM 162200. Disease mechanism: loss of function.
Cardiovascular phenotype. Identifiers: MedGen CN230736.
Hereditary cancer-predisposing syndrome. Also called: Neoplastic Syndromes, Hereditary; Tumor predisposition; Hereditary neoplastic syndrome; Hereditary Cancer Syndrome. Identifiers: Orphanet 140162, MedGen C0027672, MeSH D009386, MONDO:0015356.

Submissions (3):

Labcorp Genetics (formerly Invitae), Labcorp
Classification: Uncertain significance for Neurofibromatosis, type 1. Last evaluated: 2025-03-19. Review status: criteria provided, single submitter. Criteria: Invitae Variant Classification Sherloc (09022015). Collection method: clinical testing. Allele origin: germline.
Comment: This sequence change replaces histidine, which is basic and polar, with proline, which is neutral and non-polar, at codon 31 of the NF1 protein (p.His31Pro). This variant is not present in population databases (gnomAD no frequency). This variant has not been reported in the literature in individuals affected with NF1-related conditions. ClinVar contains an entry for this variant (Variation ID: 1766469). Invitae Evidence Modeling of protein sequence and biophysical properties (such as structural, functional, and spatial information, amino acid conservation, physicochemical variation, residue mobility, and thermodynamic stability) has been performed for this missense variant. However, the output from this modeling did not meet the statistical confidence thresholds required to predict the impact of this variant on NF1 protein function. In summary, the available evidence is currently insufficient to determine the role of this variant in disease. Therefore, it has been classified as a Variant of Uncertain Significance.

Baylor Genetics
Classification: Uncertain significance for Juvenile myelomonocytic leukemia. Last evaluated: 2024-01-19. Review status: criteria provided, single submitter. Criteria: ACMG Guidelines, 2015. Collection method: clinical testing. Allele origin: unknown.

Ambry Genetics
Classification: Uncertain significance for Cardiovascular phenotype; Hereditary cancer-predisposing syndrome. Last evaluated: 2022-05-26. Review status: criteria provided, single submitter. Criteria: Ambry Variant Classification Scheme 2023. Collection method: clinical testing. Allele origin: germline.
Comment: The p.H31P variant (also known as c.92A>C), located in coding exon 2 of the NF1 gene, results from an A to C substitution at nucleotide position 92. The histidine at codon 31 is replaced by proline, an amino acid with similar properties. This amino acid position is conserved. In addition, the in silico prediction for this alteration is inconclusive. Since supporting evidence is limited at this time, the clinical significance of this alteration remains unclear.

NM_001042492.3(NF1):c.92A>C (p.His31Pro)

Gene: NF1 (neurofibromin 1; plus strand). Cytogenetic location: 17q11.2.
Variant type: single nucleotide variant.
Coding change: c.92A>C on transcript NM_001042492.3 (MANE Select); coding-DNA position 92, A replaced by C.
Protein change: p.His31Pro; replaces histidine 31 with proline.
Molecular consequence: missense variant.
Genome position (GRCh38, 1-based): chr17:31,156,014, A>C. VCF-style: chr17-31156014-A-C. GRCh37 (hg19) VCF-style: chr17-29483032-A-C.
Other names: c.92A>C, p.His31Pro (NM_000267.4, NM_001128147.3); short protein forms H31P.
Identifiers: ClinVar variation 1766469 (VCV001766469.4), dbSNP rs199474725, ClinGen allele CA398988185.
Genomic context (GRCh38, chr17:31,156,014, plus strand): 5'-AACGTGTTTTTTTTTTCTTTTTTTTTCAGCTTCCAATAAAAACAGGACAGCAGAACACAC[A>C]TACCAAAGTCAGTACTGAGCACAACAAGGAATGTCTAATCAATATTTCCAAATACAAGTT-3'
Protein context (NP_001035957.1, residues 21-41): LPIKTGQQNT[His31Pro]TKVSTEHNKE